The following is an entry in ClinVar:

NM_001130438.3(SPTAN1):c.6046G>C (p.Val2016Leu)

Gene: SPTAN1 (spectrin alpha, non-erythrocytic 1; plus strand). Cytogenetic location: 9q34.11.
Variant type: single nucleotide variant.
Coding change: c.6046G>C on transcript NM_001130438.3 (MANE Select); coding-DNA position 6046, G replaced by C.
Protein change: p.Val2016Leu; replaces valine 2016 with leucine.
Molecular consequence: missense variant.
Genome position (GRCh38, 1-based): chr9:128,625,156, G>C. VCF-style: chr9-128625156-G-C. GRCh37 (hg19) VCF-style: chr9-131387435-G-C.
Other names: c.5971G>C, p.Val1991Leu (NM_001195532.2, NM_001438441.1, NM_001438444.1); c.6046G>C, p.Val2016Leu (NM_001363759.2, NM_001375310.1, NM_001375311.2 and 1 more transcripts); c.5986G>C, p.Val1996Leu (NM_001363765.2, NM_001375314.2, NM_001438442.1); c.6082G>C, p.Val2028Leu (NM_001375312.2, NM_001375318.1, NM_001438440.1); c.6031G>C, p.Val2011Leu (NM_001438443.1, NM_001438445.1, NM_003127.4); short protein forms V1991L, V1996L, V2011L, V2016L, V2028L.
Identifiers: ClinVar variation 4083255 (VCV004083255.1).

ClinVar aggregate classification (germline): Uncertain significance (1 of 4 stars; one submission).

Submission:

GeneDx
Classification: Uncertain significance. Last evaluated: 2025-03-12. Review status: criteria provided, single submitter. Criteria: GeneDx Variant Classification Process June 2021. Collection method: clinical testing. Allele origin: germline. Affected: yes.
Comment: Not observed at significant frequency in large population cohorts (gnomAD); In silico analysis indicates that this missense variant does not alter protein structure/function; Has not been previously published as pathogenic or benign to our knowledge